The following is an entry in ClinVar:

ClinVar aggregate classification (germline): Uncertain significance. Review status: criteria provided, multiple submitters, no conflicts (2 of 4 stars). 3 submissions from 3 submitters: Uncertain significance (3). Last evaluated 2025-03-07.

Conditions:
Inborn genetic diseases. Identifiers: MedGen C0950123, MeSH D030342.

Allele frequency attached by ClinVar (database versions not stated): gnomAD exomes 0.00001; TOPMed 0.00001.
gnomAD v4.1: 12 of 1,613,778 alleles (0.00074%); highest among the groups gnomAD compares: Admixed American, 0.013%; no homozygotes.

Submissions (3):

Ambry Genetics
Classification: Uncertain significance for Inborn genetic diseases. Last evaluated: 2025-03-07. Review status: criteria provided, single submitter. Criteria: Ambry Variant Classification Scheme 2023. Collection method: clinical testing. Allele origin: germline.

Labcorp Genetics (formerly Invitae), Labcorp
Classification: Uncertain significance. Last evaluated: 2024-11-11. Review status: criteria provided, single submitter. Criteria: Invitae Variant Classification Sherloc (09022015). Collection method: clinical testing. Allele origin: germline.
Comment: This sequence change replaces valine, which is neutral and non-polar, with alanine, which is neutral and non-polar, at codon 1045 of the CDH23 protein (p.Val1045Ala). This variant is not present in population databases (gnomAD no frequency). This variant has not been reported in the literature in individuals affected with CDH23-related conditions. ClinVar contains an entry for this variant (Variation ID: 2154516). Invitae Evidence Modeling of protein sequence and biophysical properties (such as structural, functional, and spatial information, amino acid conservation, physicochemical variation, residue mobility, and thermodynamic stability) has been performed for this missense variant. However, the output from this modeling did not meet the statistical confidence thresholds required to predict the impact of this variant on CDH23 protein function. In summary, the available evidence is currently insufficient to determine the role of this variant in disease. Therefore, it has been classified as a Variant of Uncertain Significance.

GeneDx
Classification: Uncertain significance. Last evaluated: 2024-05-16. Review status: criteria provided, single submitter. Criteria: GeneDx Variant Classification Process June 2021. Collection method: clinical testing. Allele origin: germline. Affected: yes.
Comment: Not observed at significant frequency in large population cohorts (gnomAD); In silico analysis supports that this missense variant has a deleterious effect on protein structure/function; Has not been previously published as pathogenic or benign to our knowledge

NM_022124.6(CDH23):c.3134T>C (p.Val1045Ala)

Gene: CDH23 (cadherin related 23; plus strand). Cytogenetic location: 10q22.1.
Variant type: single nucleotide variant.
Coding change: c.3134T>C on transcript NM_022124.6 (MANE Select); coding-DNA position 3134, T replaced by C.
Protein change: p.Val1045Ala; replaces valine 1045 with alanine.
Molecular consequence: missense variant.
Genome position (GRCh38, 1-based): chr10:71,709,125, T>C. VCF-style: chr10-71709125-T-C. GRCh37 (hg19) VCF-style: chr10-73468882-T-C.
Other names: c.3134T>C, p.Val1045Ala (NM_001171930.2); c.3134T>C (NM_022124.5); short protein forms V1045A.
Identifiers: ClinVar variation 2154516 (VCV002154516.4), dbSNP rs1045482647, ClinGen allele CA209462074.